The following is an entry in ClinVar:

ClinVar aggregate classification (germline): Uncertain significance (1 of 4 stars; one submission).

Submission:

Labcorp Genetics (formerly Invitae), Labcorp
Classification: Uncertain significance. Last evaluated: 2025-01-06. Review status: criteria provided, single submitter. Criteria: Invitae Variant Classification Sherloc (09022015). Collection method: clinical testing. Allele origin: germline.
Comment: This sequence change replaces cysteine, which is neutral and slightly polar, with tyrosine, which is neutral and polar, at codon 24 of the CA4 protein (p.Cys24Tyr). This variant is not present in population databases (gnomAD no frequency). This missense change has been observed in individual(s) with hereditary retinal dystrophy (internal data). ClinVar contains an entry for this variant (Variation ID: 1488345). Invitae Evidence Modeling of protein sequence and biophysical properties (such as structural, functional, and spatial information, amino acid conservation, physicochemical variation, residue mobility, and thermodynamic stability) indicates that this missense variant is expected to disrupt CA4 protein function with a positive predictive value of 80%. In summary, the available evidence is currently insufficient to determine the role of this variant in disease. Therefore, it has been classified as a Variant of Uncertain Significance.

NM_000717.5(CA4):c.71G>A (p.Cys24Tyr)

Gene: CA4 (carbonic anhydrase 4; plus strand). Cytogenetic location: 17q23.1.
Variant type: single nucleotide variant.
Coding change: c.71G>A on transcript NM_000717.5 (MANE Select); coding-DNA position 71, G replaced by A.
Protein change: p.Cys24Tyr; replaces cysteine 24 with tyrosine.
Molecular consequence: missense variant. On other transcripts: non-coding transcript variant (1).
Genome position (GRCh38, 1-based): chr17:60,155,326, G>A. VCF-style: chr17-60155326-G-A. GRCh37 (hg19) VCF-style: chr17-58232687-G-A.
Other names: short protein forms C24Y.
Identifiers: ClinVar variation 1488345 (VCV001488345.6), dbSNP rs2145263859, ClinGen allele CA400449934.